The following is an entry in ClinVar:

NM_002449.5(MSX2):c.270C>G (p.His90Gln)

Gene: MSX2 (msh homeobox 2; plus strand). Cytogenetic location: 5q35.2.
Variant type: single nucleotide variant.
Coding change: c.270C>G on transcript NM_002449.5 (MANE Select); coding-DNA position 270, C replaced by G.
Protein change: p.His90Gln; replaces histidine 90 with glutamine.
Molecular consequence: missense variant.
Genome position (GRCh38, 1-based): chr5:174,724,929, C>G. VCF-style: chr5-174724929-C-G. GRCh37 (hg19) VCF-style: chr5-174151932-C-G.
Other names: c.270C>G, p.His90Gln (NM_001363626.2); short protein forms H90Q.
Identifiers: ClinVar variation 3399116 (VCV003399116.3).

ClinVar aggregate classification (germline): Uncertain significance. Review status: criteria provided, multiple submitters, no conflicts (2 of 4 stars). 2 submissions from 2 submitters: Uncertain significance (2). Last evaluated 2024-09-10.

Conditions:
Inborn genetic diseases. Identifiers: MedGen C0950123, MeSH D030342.
Cranium bifidum occultum. Also called: CATLIN MARKS; CRANIUM BIFIDUM, HEREDITARY; Enlarged Parietal Foramina. Identifiers: MedGen C1868598, HP:0004423.

Submissions (2):

Labcorp Genetics (formerly Invitae), Labcorp
Classification: Uncertain significance for Cranium bifidum occultum. Last evaluated: 2024-09-10. Review status: criteria provided, single submitter. Criteria: Invitae Variant Classification Sherloc (09022015). Collection method: clinical testing. Allele origin: germline.
Comment: This sequence change replaces histidine, which is basic and polar, with glutamine, which is neutral and polar, at codon 90 of the MSX2 protein (p.His90Gln). This variant is present in population databases (rs752778789, gnomAD 0.004%). This variant has not been reported in the literature in individuals affected with MSX2-related conditions. Invitae Evidence Modeling of protein sequence and biophysical properties (such as structural, functional, and spatial information, amino acid conservation, physicochemical variation, residue mobility, and thermodynamic stability) indicates that this missense variant is not expected to disrupt MSX2 protein function with a negative predictive value of 80%. In summary, the available evidence is currently insufficient to determine the role of this variant in disease. Therefore, it has been classified as a Variant of Uncertain Significance.

Ambry Genetics
Classification: Uncertain significance for Inborn genetic diseases. Last evaluated: 2024-07-31. Review status: criteria provided, single submitter. Criteria: Ambry Variant Classification Scheme 2023. Collection method: clinical testing. Allele origin: germline.